The following is an entry in ClinVar:

ClinVar aggregate classification (germline): Uncertain significance. Review status: criteria provided, multiple submitters, no conflicts (2 of 4 stars). 3 submissions from 3 submitters: Uncertain significance (3). Last evaluated 2025-10-09.

Conditions:
Inborn genetic diseases. Identifiers: MedGen C0950123, MeSH D030342.
DCHS1-related disorder. Also called: DCHS1-related condition.

gnomAD v4.1: 37 of 1,613,812 alleles (0.0023%); highest among the groups gnomAD compares: Middle Eastern, 0.016%; no homozygotes.

Submissions (3):

Labcorp Genetics (formerly Invitae), Labcorp
Classification: Uncertain significance. Last evaluated: 2025-10-09. Review status: criteria provided, single submitter. Criteria: Invitae Variant Classification Sherloc (09022015). Collection method: clinical testing. Allele origin: germline.
Comment: This sequence change replaces valine, which is neutral and non-polar, with isoleucine, which is neutral and non-polar, at codon 385 of the DCHS1 protein (p.Val385Ile). This variant is present in population databases (rs567744979, gnomAD 0.007%). This variant has not been reported in the literature in individuals affected with DCHS1-related conditions. ClinVar contains an entry for this variant (Variation ID: 3500019). Invitae Evidence Modeling of protein sequence and biophysical properties (such as structural, functional, and spatial information, amino acid conservation, physicochemical variation, residue mobility, and thermodynamic stability) indicates that this missense variant is not expected to disrupt DCHS1 protein function with a negative predictive value of 80%. In summary, the available evidence is currently insufficient to determine the role of this variant in disease. Therefore, it has been classified as a Variant of Uncertain Significance.

PreventionGenetics, part of Exact Sciences
Classification: Uncertain significance for DCHS1-related condition. Last evaluated: 2025-08-20. Review status: criteria provided, single submitter. Criteria: ACMG Guidelines, 2015. Collection method: clinical testing. Allele origin: germline.
Comment: The DCHS1 c.1153G>A variant is predicted to result in the amino acid substitution p.Val385Ile. To our knowledge, this variant has not been reported in the literature. This variant is reported in 0.0062% of alleles in individuals of African descent in gnomAD. At this time, the clinical significance of this variant is uncertain due to the absence of conclusive functional and genetic evidence.

Ambry Genetics
Classification: Uncertain significance for Inborn genetic diseases. Last evaluated: 2024-12-05. Review status: criteria provided, single submitter. Criteria: Ambry Variant Classification Scheme 2023. Collection method: clinical testing. Allele origin: germline.

NM_003737.4(DCHS1):c.1153G>A (p.Val385Ile)

Gene: DCHS1 (dachsous cadherin-related 1; minus strand). Cytogenetic location: 11p15.4.
Variant type: single nucleotide variant.
Coding change: c.1153G>A on transcript NM_003737.4 (MANE Select); coding-DNA position 1153, G replaced by A.
Protein change: p.Val385Ile; replaces valine 385 with isoleucine.
Molecular consequence: missense variant.
Genome position (GRCh38, 1-based): chr11:6,640,461, C>T on the plus strand (G>A on the coding strand, the complement: DCHS1 is on the minus strand). VCF-style: chr11-6640461-C-T. GRCh37 (hg19) VCF-style: chr11-6661692-C-T.
Other names: c.1153G>A (NM_003737.3); short protein forms V385I.
Identifiers: ClinVar variation 3500019 (VCV003500019.3).